The following is an entry in ClinVar:

NM_013275.6(ANKRD11):c.5237C>A (p.Thr1746Lys)

Gene: ANKRD11 (ankyrin repeat domain 11; minus strand). Cytogenetic location: 16q24.3.
Variant type: single nucleotide variant.
Coding change: c.5237C>A on transcript NM_013275.6 (MANE Select); coding-DNA position 5237, C replaced by A.
Protein change: p.Thr1746Lys; replaces threonine 1746 with lysine.
Molecular consequence: missense variant.
Genome position (GRCh38, 1-based): chr16:89,281,305, G>T on the plus strand (C>A on the coding strand, the complement: ANKRD11 is on the minus strand). VCF-style: chr16-89281305-G-T. GRCh37 (hg19) VCF-style: chr16-89347713-G-T.
Other names: c.5237C>A, p.Thr1746Lys (NM_001256182.2, NM_001256183.2); short protein forms T1746K.
Identifiers: ClinVar variation 1327632 (VCV001327632.6), dbSNP rs561668093, ClinGen allele CA397155047.

ClinVar aggregate classification (germline): Conflicting classifications of pathogenicity. Review status: criteria provided, conflicting classifications (1 of 4 stars). 2 submissions from 2 submitters: Uncertain significance (1); Likely benign (1). Last evaluated 2025-02-18.

Conditions:
KBG syndrome (KBGS). Also called: ANKRD11-Related KBG Syndrome. Identifiers: Orphanet 2332, MedGen C0220687, MONDO:0007846, OMIM 148050.

gnomAD v4.1: 3 of 1,614,032 alleles (0.00019%); highest among the groups gnomAD compares: Admixed American, 0.005%; no homozygotes.

Submissions (2):

Labcorp Genetics (formerly Invitae), Labcorp
Classification: Uncertain significance for KBG syndrome. Last evaluated: 2025-02-18. Review status: criteria provided, single submitter. Criteria: Invitae Variant Classification Sherloc (09022015). Collection method: clinical testing. Allele origin: germline.
Comment: This sequence change replaces threonine, which is neutral and polar, with lysine, which is basic and polar, at codon 1746 of the ANKRD11 protein (p.Thr1746Lys). This variant is present in population databases (no rsID available, gnomAD 0.003%). This variant has not been reported in the literature in individuals affected with ANKRD11-related conditions. ClinVar contains an entry for this variant (Variation ID: 1327632). Invitae Evidence Modeling of protein sequence and biophysical properties (such as structural, functional, and spatial information, amino acid conservation, physicochemical variation, residue mobility, and thermodynamic stability) indicates that this missense variant is not expected to disrupt ANKRD11 protein function with a negative predictive value of 95%. In summary, the available evidence is currently insufficient to determine the role of this variant in disease. Therefore, it has been classified as a Variant of Uncertain Significance.

GeneDx
Classification: Likely benign. Last evaluated: 2021-02-22. Review status: criteria provided, single submitter. Criteria: GeneDx Variant Classification Process June 2021. Collection method: clinical testing. Allele origin: germline. Affected: yes.
Comment: Has not been previously published as pathogenic or benign to our knowledge